The following is an entry in ClinVar:

NM_176787.5(PIGN):c.1589A>G (p.Gln530Arg)

Gene: PIGN (phosphatidylinositol glycan anchor biosynthesis class N; minus strand). Cytogenetic location: 18q21.33.
Variant type: single nucleotide variant.
Coding change: c.1589A>G on transcript NM_176787.5 (MANE Select); coding-DNA position 1589, A replaced by G.
Protein change: p.Gln530Arg; replaces glutamine 530 with arginine.
Molecular consequence: missense variant.
Genome position (GRCh38, 1-based): chr18:62,107,071, T>C on the plus strand (A>G on the coding strand, the complement: PIGN is on the minus strand). VCF-style: chr18-62107071-T-C. GRCh37 (hg19) VCF-style: chr18-59774304-T-C.
Other names: c.1589A>G, p.Gln530Arg (NM_012327.6); short protein forms Q530R.
Identifiers: ClinVar variation 2059680 (VCV002059680.1), dbSNP rs867220244, ClinGen allele CA301706397.

ClinVar aggregate classification (germline): Uncertain significance (1 of 4 stars; one submission).

Conditions:
Multiple congenital anomalies-hypotonia-seizures syndrome 1 (MCAHS1). Also called: PIGN-CDG; Congenital disorder of glycosylation due to PIGN deficiency; GLYCOSYLPHOSPHATIDYLINOSITOL BIOSYNTHESIS DEFECT 3. Identifiers: Orphanet 280633, MedGen C3279775, MONDO:0013563, OMIM 614080.

Allele frequency attached by ClinVar (database versions not stated): gnomAD exomes below 0.00001; TOPMed below 0.00001; gnomAD 0.00001.
gnomAD v4.1: 9 of 1,574,720 alleles (0.00057%); highest among the groups gnomAD compares: Non-Finnish European, 0.0006%; no homozygotes.

Submission:

Labcorp Genetics (formerly Invitae), Labcorp
Classification: Uncertain significance for Multiple congenital anomalies-hypotonia-seizures syndrome 1. Last evaluated: 2022-08-03. Review status: criteria provided, single submitter. Criteria: Invitae Variant Classification Sherloc (09022015). Collection method: clinical testing. Allele origin: germline.
Comment: This sequence change replaces glutamine, which is neutral and polar, with arginine, which is basic and polar, at codon 530 of the PIGN protein (p.Gln530Arg). This variant is not present in population databases (gnomAD no frequency). This variant has not been reported in the literature in individuals affected with PIGN-related conditions. Algorithms developed to predict the effect of missense changes on protein structure and function output the following: SIFT: "Tolerated"; PolyPhen-2: "Benign"; Align-GVGD: "Class C0". The arginine amino acid residue is found in multiple mammalian species, which suggests that this missense change does not adversely affect protein function. In summary, the available evidence is currently insufficient to determine the role of this variant in disease. Therefore, it has been classified as a Variant of Uncertain Significance.